The following is an entry in ClinVar:

ClinVar aggregate classification (germline): Benign/Likely benign. Review status: criteria provided, multiple submitters, no conflicts (2 of 4 stars). 2 submissions from 2 submitters: Benign (1); Likely benign (1). Last evaluated 2026-04-01.

gnomAD v4.1: 175 of 1,613,496 alleles (0.011%); highest among the groups gnomAD compares: Non-Finnish European, 0.014%; no homozygotes.

Submissions (2):

CeGaT Center for Human Genetics Tuebingen
Classification: Benign. Last evaluated: 2026-04-01. Review status: criteria provided, single submitter. Criteria: CeGaT Center For Human Genetics Tuebingen Variant Classification Criteria Version 2. Collection method: clinical testing. Allele origin: germline. Affected: yes. Observed: 1 variant allele.
Comment: GNAO1: BS1, BS2

Laboratory of Genetics, Children's Clinical University Hospital Latvia
Classification: Likely benign. Last evaluated: 2025-02-16. Review status: criteria provided, single submitter. Criteria: ACMG Guidelines, 2015. Collection method: clinical testing. Allele origin: germline. Affected: yes.

NM_020988.3(GNAO1):c.723+6950G>A

Gene: GNAO1 (G protein subunit alpha o1; plus strand). Cytogenetic location: 16q13.
Variant type: single nucleotide variant.
Coding change: c.723+6950G>A on transcript NM_020988.3 (MANE Select); 6950 bases into the intron after coding-DNA position 723, G replaced by A.
Molecular consequence: intron variant. On other transcripts: missense variant (1).
Genome position (GRCh38, 1-based): chr16:56,343,810, G>A. VCF-style: chr16-56343810-G-A. GRCh37 (hg19) VCF-style: chr16-56377722-G-A.
Other names: c.925G>A, p.Glu309Lys (NM_138736.3); short protein forms E309K.
Identifiers: ClinVar variation 3911172 (VCV003911172.3).